The following is an entry in ClinVar:

ClinVar aggregate classification (germline): Uncertain significance. Review status: criteria provided, multiple submitters, no conflicts (2 of 4 stars). 3 submissions from 3 submitters: Uncertain significance (3). Last evaluated 2026-05-26.

Conditions:
Cardiovascular phenotype. Identifiers: MedGen CN230736.
Dilated cardiomyopathy 1J (CMD1J). Also called: CARDIOMYOPATHY, DILATED, WITH SENSORINEURAL HEARING LOSS, AUTOSOMAL DOMINANT. Identifiers: Orphanet 217622, MedGen C1854368, MONDO:0011541, OMIM 605362.

Allele frequency attached by ClinVar (database versions not stated): gnomAD 0.00001.
gnomAD v4.1: 6 of 1,607,086 alleles (0.00037%); highest among the groups gnomAD compares: Admixed American, 0.0067%; no homozygotes.

Submissions (3):

Ambry Genetics
Classification: Uncertain significance for Cardiovascular phenotype. Last evaluated: 2026-05-26. Review status: criteria provided, single submitter. Criteria: Ambry Variant Classification Scheme 2023. Collection method: clinical testing. Allele origin: germline.

Labcorp Genetics (formerly Invitae), Labcorp
Classification: Uncertain significance for Dilated cardiomyopathy 1J. Last evaluated: 2024-11-21. Review status: criteria provided, single submitter. Criteria: Invitae Variant Classification Sherloc (09022015). Collection method: clinical testing. Allele origin: germline.
Comment: This sequence change replaces proline, which is neutral and non-polar, with arginine, which is basic and polar, at codon 247 of the EYA4 protein (p.Pro247Arg). This variant is present in population databases (no rsID available, gnomAD 0.003%). This variant has not been reported in the literature in individuals affected with EYA4-related conditions. ClinVar contains an entry for this variant (Variation ID: 2147950). An algorithm developed to predict the effect of missense changes on protein structure and function (PolyPhen-2) suggests that this variant is likely to be tolerated. In summary, the available evidence is currently insufficient to determine the role of this variant in disease. Therefore, it has been classified as a Variant of Uncertain Significance.

GeneDx
Classification: Uncertain significance. Last evaluated: 2023-11-22. Review status: criteria provided, single submitter. Criteria: GeneDx Variant Classification Process June 2021. Collection method: clinical testing. Allele origin: germline. Affected: yes.
Comment: Has not been previously published as pathogenic or benign to our knowledge; Not observed at significant frequency in large population cohorts (gnomAD); In silico analysis supports that this missense variant does not alter protein structure/function

NM_004100.5(EYA4):c.740C>G (p.Pro247Arg)

Gene: EYA4 (EYA transcriptional coactivator and phosphatase 4; plus strand). Cytogenetic location: 6q23.2.
Variant type: single nucleotide variant.
Coding change: c.740C>G on transcript NM_004100.5 (MANE Select); coding-DNA position 740, C replaced by G.
Protein change: p.Pro247Arg; replaces proline 247 with arginine.
Molecular consequence: missense variant.
Genome position (GRCh38, 1-based): chr6:133,464,794, C>G. VCF-style: chr6-133464794-C-G. GRCh37 (hg19) VCF-style: chr6-133785932-C-G.
Other names: c.578C>G, p.Pro193Arg (NM_001301012.2, NM_001370459.1); c.740C>G, p.Pro247Arg (NM_001301013.2, NM_172105.4); c.671C>G, p.Pro224Arg (NM_001370458.1, NM_172103.4); c.740C>G (NM_004100.4); short protein forms P224R, P247R, P193R.
Identifiers: ClinVar variation 2147950 (VCV002147950.7), dbSNP rs767398384, ClinGen allele CA365701003.